The following is an entry in ClinVar:

NM_014049.5(ACAD9):c.1693-234G>A

Genes: ACAD9 (acyl-CoA dehydrogenase family member 9; plus strand), CFAP92 (cilia and flagella associated protein 92 (putative); minus strand). Cytogenetic location: 3q21.3.
Variant type: single nucleotide variant.
Coding change: c.1693-234G>A on transcript NM_014049.5 (MANE Select); 234 bases into the intron before coding-DNA position 1693, G replaced by A.
Molecular consequence: intron variant.
Genome position (GRCh38, 1-based): chr3:128,910,507, G>A. VCF-style: chr3-128910507-G-A. GRCh37 (hg19) VCF-style: chr3-128629350-G-A.
Other names: c.1324-234G>A (NM_001410805.1); c.2312-174C>T (NM_001348521.2); c.2408-174C>T (NM_001348520.2); c.3281-174C>T (NM_001394090.1).
Identifiers: ClinVar variation 3026610 (VCV003026610.22), dbSNP rs2529286146, ClinGen allele CA2740091015.
Genomic context (GRCh38, chr3:128,910,507, plus strand): 5'-TGAGGACCCACTGTATACCAGGATCTCTGCCTGCACTTTCCAGAGCACCTGCAGATACCA[G>A]GATTGTGACATCTGCCTTTCAGAGGAAACAGGGTCAGAGATGTTGAGTCACTTGCTGTTG-3'

ClinVar aggregate classification (germline): Likely benign (1 of 4 stars; one submission).

Submission:

CeGaT Center for Human Genetics Tuebingen
Classification: Likely benign. Last evaluated: 2023-12-01. Review status: criteria provided, single submitter. Criteria: CeGaT Center For Human Genetics Tuebingen Variant Classification Criteria Version 2. Collection method: clinical testing. Allele origin: germline. Affected: yes. Observed: 1 variant allele.
Comment: ACAD9: PM2:Supporting, BP4, BP7